The following is an entry in ClinVar:

NM_003001.5(SDHC):c.-12C>G

Gene: SDHC (succinate dehydrogenase complex subunit C; plus strand). Cytogenetic location: 1q23.3.
Variant type: single nucleotide variant.
Coding change: c.-12C>G on transcript NM_003001.5 (MANE Select); 12 bases upstream of the start codon, C replaced by G.
Molecular consequence: 5 prime UTR variant. On other transcripts: non-coding transcript variant (1).
Genome position (GRCh38, 1-based): chr1:161,314,394, C>G. VCF-style: chr1-161314394-C-G. GRCh37 (hg19) VCF-style: chr1-161284184-C-G.
Other names: c.-12C>G (NM_001035511.3, NM_001035512.3, NM_001035513.3 and 6 more transcripts); c.-572C>G (NM_001407119.1); c.-241C>G (NM_001407120.1).
Identifiers: ClinVar variation 3070766 (VCV003070766.2), dbSNP rs758726123, ClinGen allele CA045778.

ClinVar aggregate classification (germline): Uncertain significance (1 of 4 stars; one submission).

Conditions:
Hereditary pheochromocytoma and paraganglioma. Also called: Hereditary pheochromocytoma-paraganglioma; Hereditary Paraganglioma-Pheochromocytoma Syndromes; Hereditary paragangliomas and pheochromocytomas. Identifiers: Orphanet 29072, MedGen C4274332, MONDO:0017366.

Allele frequency attached by ClinVar (database versions not stated): gnomAD exomes 0.00001; ExAC 0.00002; gnomAD 0.00002.
gnomAD v4.1: 18 of 1,614,002 alleles (0.0011%); highest among the groups gnomAD compares: East Asian, 0.029%; no homozygotes.

Submission:

All of Us Research Program, National Institutes of Health
Classification: Uncertain significance for Hereditary pheochromocytoma and paraganglioma. Last evaluated: 2024-02-22. Review status: criteria provided, single submitter. Criteria: ACMG Guidelines, 2015. Collection method: clinical testing. Allele origin: germline. Inheritance: Autosomal dominant inheritance. Observed: 3 variant alleles, 3 heterozygotes.
Comment: This variant causes a C to G nucleotide substitution at the -12 position in the 5' untranslated region of the SDHC gene. To our knowledge, functional studies have not been reported for this variant. This variant has not been reported in individuals affected with SDHC-related disorders in the literature. This variant has been identified in 13/282562 chromosomes in the general population by the Genome Aggregation Database (gnomAD). The available evidence is insufficient to determine the role of this variant in disease conclusively. Therefore, this variant is classified as a Variant of Uncertain Significance.

This study involves interpretation of variants in research participants for the purpose of population health screening. Participant phenotype was not available at the time of variant classification. Additional details can be found in publication PMID: 35346344, PMCID: PMC8962531